The following is an entry in ClinVar:

ClinVar aggregate classification (germline): Likely benign (1 of 4 stars; one submission).

Allele frequency attached by ClinVar (database versions not stated): gnomAD exomes 0.00001; ExAC 0.00002.

Submission:

GeneDx
Classification: Likely benign. Last evaluated: 2016-10-07. Review status: criteria provided, single submitter. Criteria: GeneDx Variant Classification (06012015). Collection method: clinical testing. Allele origin: germline. Affected: yes.
Comment: This variant is considered likely benign or benign based on one or more of the following criteria: it is a conservative change, it occurs at a poorly conserved position in the protein, it is predicted to be benign by multiple in silico algorithms, and/or has population frequency not consistent with disease.

NM_003239.5(TGFB3):c.926+8dup

Gene: TGFB3 (transforming growth factor beta 3; minus strand). Cytogenetic location: 14q24.3.
Variant type: Duplication.
Coding change: c.926+8dup on transcript NM_003239.5 (MANE Select); 8 bases into the intron after coding-DNA position 926, one base duplicated (T; older notation c.926+8dupT).
Molecular consequence: intron variant. On other transcripts: 3 prime UTR variant (1).
Genome position (GRCh38, 1-based): chr14:75,963,308, A duplicated on the plus strand (T on the coding strand, the reverse complement: TGFB3 is on the minus strand). VCF-style (leftmost placement, unchanged base first): chr14-75963307-C-CA. GRCh37 (hg19) VCF-style: chr14-76429650-C-CA.
Other names: c.*4dup (NM_001329938.2); c.926+8dup (NM_001329939.2).
Identifiers: ClinVar variation 422374 (VCV000422374.1), dbSNP rs764553192, ClinGen allele CA7280309.